The following is an entry in ClinVar:

NM_206933.4(USH2A):c.2541C>A (p.Cys847Ter)

Genes: USH2A (usherin; minus strand), LOC122152296 (Sharpr-MPRA regulatory region 8762; plus strand). Cytogenetic location: 1q41.
Variant type: single nucleotide variant.
Coding change: c.2541C>A on transcript NM_206933.4 (MANE Select); coding-DNA position 2541, C replaced by A.
Protein change: p.Cys847Ter; replaces cysteine 847 with a stop codon.
Molecular consequence: nonsense.
Genome position (GRCh38, 1-based): chr1:216,246,853, G>T on the plus strand (C>A on the coding strand, the complement: USH2A is on the minus strand). VCF-style: chr1-216246853-G-T. GRCh37 (hg19) VCF-style: chr1-216420195-G-T.
Other names: c.2541C>A, p.Cys847Ter (NM_007123.6); short protein forms C847*.
Identifiers: ClinVar variation 166516 (VCV000166516.16), dbSNP rs727503736, ClinGen allele CA273290.

ClinVar aggregate classification (germline): Pathogenic. Review status: criteria provided, multiple submitters, no conflicts (2 of 4 stars). 5 submissions from 5 submitters: Pathogenic (5). Last evaluated 2025-12-08.

Conditions:
Rare genetic deafness. Identifiers: Orphanet 96210, MedGen C5680250.
Retinitis pigmentosa 39 (RP39). Identifiers: Orphanet 791, MedGen C3151138, MONDO:0013436, OMIM 613809.
Usher syndrome type 2A. Also called: RETINAL DISEASE IN USHER SYNDROME TYPE IIA, MODIFIER OF; USHER SYNDROME, TYPE IIA. Identifiers: Orphanet 231178, Orphanet 886, MedGen C1848634, MONDO:0010169, OMIM 276901.

Allele frequency attached by ClinVar (database versions not stated): TOPMed below 0.00001; gnomAD 0.00001.
gnomAD v4.1: 1 of 1,614,012 alleles (0.000062%); highest among the groups gnomAD compares: African/African-American, 0.0013%; no homozygotes.

Submissions (5):

Labcorp Genetics (formerly Invitae), Labcorp
Classification: Pathogenic. Last evaluated: 2025-12-08. Review status: criteria provided, single submitter. Criteria: Invitae Variant Classification Sherloc (09022015). Collection method: clinical testing. Allele origin: germline.
Comment: This sequence change creates a premature translational stop signal (p.Cys847*) in the USH2A gene. It is expected to result in an absent or disrupted protein product. Loss-of-function variants in USH2A are known to be pathogenic (PMID: 10729113, 10909849, 20507924, 25649381). This variant is present in population databases (rs727503736, gnomAD 0.01%). This premature translational stop signal has been observed in individual(s) with USH2A-related conditions (PMID: 10729113, 29953849). ClinVar contains an entry for this variant (Variation ID: 166516). For these reasons, this variant has been classified as Pathogenic.

GeneDx
Classification: Pathogenic. Last evaluated: 2025-03-19. Review status: criteria provided, single submitter. Criteria: GeneDx Variant Classification Process June 2021. Collection method: clinical testing. Allele origin: germline. Affected: yes.
Comment: Reported with a second USH2A variant, phase unknown, in a proband with Usher syndrome type II in published literature (PMID: 10729113); Nonsense variant predicted to result in protein truncation or nonsense mediated decay in a gene for which loss of function is a known mechanism of disease; Not observed at significant frequency in large population cohorts (gnomAD); This variant is associated with the following publications: (PMID: 25525159, 29953849, 31964843, 25649381, 20507924, 10909849, 10729113)

Genome-Nilou Lab
Classification: Pathogenic for Usher syndrome type 2A. Last evaluated: 2023-11-04. Review status: criteria provided, single submitter. Criteria: ACMG Guidelines, 2015. Collection method: clinical testing. Allele origin: germline. Affected: no.

Baylor Genetics
Classification: Pathogenic for Retinitis pigmentosa 39. Last evaluated: 2023-05-09. Review status: criteria provided, single submitter. Criteria: ACMG Guidelines, 2015. Collection method: clinical testing. Allele origin: unknown.

Laboratory for Molecular Medicine, Mass General Brigham Personalized Medicine
Classification: Pathogenic for Rare genetic deafness. Last evaluated: 2013-12-05. Review status: criteria provided, single submitter. Criteria: LMM Criteria. Collection method: clinical testing. Allele origin: germline. Inheritance: Autosomal recessive inheritance. Observed: 1 variant allele.
Comment: The Cys847X variant in USH2A has been reported in two African American individua ls with type 2 Usher syndrome, both of whom were compound heterozygous with anot her pathogenic USH2A variant (Weston 2000 and LMM unpublished data). This nonse nse variant leads to a premature termination codon at position 847, which is pre dicted to lead to a truncated or absent protein. In summary, this variant meets our criteria to be classified as pathogenic.

Literature cited by the submitters: PubMed 10729113 (cited by Labcorp Genetics (formerly Invitae), Labcorp); PubMed 10909849 (cited by Labcorp Genetics (formerly Invitae), Labcorp); PubMed 20507924 (cited by Labcorp Genetics (formerly Invitae), Labcorp); PubMed 25649381 (cited by Labcorp Genetics (formerly Invitae), Labcorp); PubMed 29953849 (cited by Labcorp Genetics (formerly Invitae), Labcorp).